The following is an entry in ClinVar:

NM_000138.5(FBN1):c.5607dup (p.Gly1870fs)

Gene: FBN1 (fibrillin 1; minus strand). Cytogenetic location: 15q21.1.
Variant type: Duplication.
Coding change: c.5607dup on transcript NM_000138.5 (MANE Select); coding-DNA position 5607, one base duplicated (T; older notation c.5607dupT).
Protein change: p.Gly1870fs; shifts the reading frame from glycine 1870.
Molecular consequence: frameshift variant.
Genome position (GRCh38, 1-based): chr15:48,448,832, A duplicated on the plus strand (T on the coding strand, the reverse complement: FBN1 is on the minus strand); the first of 2 consecutive A bases (chr15:48,448,832-48,448,833); duplicating either gives the same sequence. VCF-style (leftmost placement, unchanged base first): chr15-48448831-C-CA. GRCh37 (hg19) VCF-style: chr15-48741028-C-CA.
Other names: c.5606dup, p.Gly1870Trpfs (NM_001406716.1); short protein forms G1870fs.
Identifiers: ClinVar variation 2102214 (VCV002102214.4), dbSNP rs2505463293, ClinGen allele CA2580089552.
Genomic context (GRCh38, chr15:48,448,831, plus strand): 5'-AGCACATGGTTTGGTCATCATTTGTTTTAAAACCAGTGTGGCAAAGGCAATAAAAGCTTC[C>CA]AACTGTGTCAATGCACTGCCCATGACTGCATATATTGGGGATTTCTTGACATTCATTACG-3'

ClinVar aggregate classification (germline): Pathogenic (1 of 4 stars; one submission).

Conditions:
Familial thoracic aortic aneurysm and aortic dissection (TAAD). Also called: Thoracic aortic aneurysms and dissections. Identifiers: Orphanet 91387, MedGen C4707243, MONDO:0019625.
Marfan syndrome (MFS). Also called: MARFAN SYNDROME, TYPE I; Marfan syndrome type 1; Marfan's syndrome; Marfan syndrome, classic; FBN1-Related Marfan Syndrome. Identifiers: Orphanet 284963, Orphanet 558, MedGen C0024796, MONDO:0007947, OMIM 154700.

Submission:

Labcorp Genetics (formerly Invitae), Labcorp
Classification: Pathogenic for Marfan syndrome; Familial thoracic aortic aneurysm and aortic dissection. Last evaluated: 2022-05-04. Review status: criteria provided, single submitter. Criteria: Invitae Variant Classification Sherloc (09022015). Collection method: clinical testing. Allele origin: germline.
Comment: This variant is not present in population databases (gnomAD no frequency). This sequence change creates a premature translational stop signal (p.Gly1870Trpfs*12) in the FBN1 gene. It is expected to result in an absent or disrupted protein product. Loss-of-function variants in FBN1 are known to be pathogenic (PMID: 17657824, 19293843). This variant has not been reported in the literature in individuals affected with FBN1-related conditions. For these reasons, this variant has been classified as Pathogenic.

Literature cited by the submitters: PubMed 17657824; PubMed 19293843.